The following is an entry in ClinVar:

ClinVar aggregate classification (germline): Uncertain significance. Review status: criteria provided, multiple submitters, no conflicts (2 of 4 stars). 2 submissions from 2 submitters: Uncertain significance (2). Last evaluated 2022-04-19.

Conditions:
Chromosome 2q32-q33 deletion syndrome (GLASS). Also called: Glass syndrome; 2q33.1 deletion syndrome. Identifiers: Orphanet 251019, MedGen C2676739, MONDO:0012864, OMIM 612313.

Allele frequency attached by ClinVar (database versions not stated): gnomAD exomes below 0.00001.
gnomAD v4.1: 5 of 1,613,870 alleles (0.00031%); highest among the groups gnomAD compares: Non-Finnish European, 0.00034%; no homozygotes.

Submissions (2):

GeneDx
Classification: Uncertain significance. Last evaluated: 2022-04-19. Review status: criteria provided, single submitter. Criteria: GeneDx Variant Classification Process June 2021. Collection method: clinical testing. Allele origin: germline. Affected: yes.
Comment: In silico analysis supports that this missense variant has a deleterious effect on protein structure/function; Has not been previously published as pathogenic or benign to our knowledge

Labcorp Genetics (formerly Invitae), Labcorp
Classification: Uncertain significance for Chromosome 2q32-q33 deletion syndrome. Last evaluated: 2022-03-04. Review status: criteria provided, single submitter. Criteria: Invitae Variant Classification Sherloc (09022015). Collection method: clinical testing. Allele origin: germline.
Comment: This sequence change replaces alanine, which is neutral and non-polar, with valine, which is neutral and non-polar, at codon 111 of the SATB2 protein (p.Ala111Val). This variant is present in population databases (no rsID available, gnomAD 0.004%). This variant has not been reported in the literature in individuals affected with SATB2-related conditions. Advanced modeling of protein sequence and biophysical properties (such as structural, functional, and spatial information, amino acid conservation, physicochemical variation, residue mobility, and thermodynamic stability) performed at Invitae indicates that this missense variant is expected to disrupt SATB2 protein function. In summary, the available evidence is currently insufficient to determine the role of this variant in disease. Therefore, it has been classified as a Variant of Uncertain Significance.

NM_001172509.2(SATB2):c.332C>T (p.Ala111Val)

Gene: SATB2 (SATB homeobox 2; minus strand). Cytogenetic location: 2q33.1.
Variant type: single nucleotide variant.
Coding change: c.332C>T on transcript NM_001172509.2 (MANE Select); coding-DNA position 332, C replaced by T.
Protein change: p.Ala111Val; replaces alanine 111 with valine.
Molecular consequence: missense variant. On other transcripts: non-coding transcript variant (1).
Genome position (GRCh38, 1-based): chr2:199,433,352, G>A on the plus strand (C>T on the coding strand, the complement: SATB2 is on the minus strand). VCF-style: chr2-199433352-G-A. GRCh37 (hg19) VCF-style: chr2-200298075-G-A.
Other names: c.332C>T, p.Ala111Val (NM_001172517.1, NM_015265.4); short protein forms A111V.
Identifiers: ClinVar variation 1712115 (VCV001712115.7), dbSNP rs1376331026, ClinGen allele CA350386639.